The following is an entry in ClinVar:

ClinVar aggregate classification (germline): Uncertain significance (1 of 4 stars; one submission).

Conditions:
Ichthyosis linearis circumflexa. Identifiers: MedGen C0265962, MONDO:0043106, HP:0025810.

Allele frequency attached by ClinVar (database versions not stated): TOPMed below 0.00001.

Submission:

Labcorp Genetics (formerly Invitae), Labcorp
Classification: Uncertain significance for Ichthyosis linearis circumflexa. Last evaluated: 2023-08-17. Review status: criteria provided, single submitter. Criteria: Invitae Variant Classification Sherloc (09022015). Collection method: clinical testing. Allele origin: germline.
Comment: In summary, the available evidence is currently insufficient to determine the role of this variant in disease. Therefore, it has been classified as a Variant of Uncertain Significance. An algorithm developed to predict the effect of missense changes on protein structure and function (PolyPhen-2) suggests that this variant is likely to be tolerated. ClinVar contains an entry for this variant (Variation ID: 1006132). This variant has not been reported in the literature in individuals affected with SPINK5-related conditions. This variant is not present in population databases (gnomAD no frequency). This sequence change replaces threonine, which is neutral and polar, with isoleucine, which is neutral and non-polar, at codon 946 of the SPINK5 protein (p.Thr946Ile).

NM_006846.4(SPINK5):c.2837C>T (p.Thr946Ile)

Gene: SPINK5 (serine peptidase inhibitor Kazal type 5; plus strand). Cytogenetic location: 5q32.
Variant type: single nucleotide variant.
Coding change: c.2837C>T on transcript NM_006846.4 (MANE Select); coding-DNA position 2837, C replaced by T.
Protein change: p.Thr946Ile; replaces threonine 946 with isoleucine.
Molecular consequence: missense variant.
Genome position (GRCh38, 1-based): chr5:148,125,820, C>T. VCF-style: chr5-148125820-C-T. GRCh37 (hg19) VCF-style: chr5-147505383-C-T.
Other names: c.2927C>T, p.Thr976Ile (NM_001127698.2); short protein forms T946I, T976I.
Identifiers: ClinVar variation 1006132 (VCV001006132.7), dbSNP rs1248127094, ClinGen allele CA361650325.
Genomic context (GRCh38, chr5:148,125,820, plus strand): 5'-ATGAACTCATCTGCCCTAGAGAGAATGACCCAGTGCACGGTGCTGATGGAAAGTTCTATA[C>T]AAACAAGTGCTACATGTGCAGAGCTGTCTTGTGAGTAAGAGGATTCTGCTCCCCCTGTAG-3'
Protein context (NP_006837.2, residues 936-956): PVHGADGKFY[Thr946Ile]NKCYMCRAVF